The following is an entry in ClinVar:

ClinVar aggregate classification (germline): Uncertain significance. Review status: criteria provided, multiple submitters, no conflicts (2 of 4 stars). 3 submissions from 3 submitters: Uncertain significance (3). Last evaluated 2026-06-17.

Conditions:
Joubert syndrome. Also called: JOUBERT-BOLTSHAUSER SYNDROME; Familial aplasia of the vermis. Identifiers: Orphanet 475, MedGen C5979921, MONDO:0018772.
Meckel-Gruber syndrome. Also called: DYSENCEPHALIA SPLANCHNOCYSTICA; GRUBER SYNDROME; Dysencephalia splachnocystica. Identifiers: Orphanet 564, MedGen C0265215, MONDO:0018921.
Inborn genetic diseases. Identifiers: MedGen C0950123, MeSH D030342.
Joubert syndrome 13 (JBTS13). Identifiers: Orphanet 475, MedGen C3280031, MONDO:0013608, OMIM 614173.

Allele frequency attached by ClinVar (database versions not stated): gnomAD exomes 0.00004 and 0.00001; TOPMed below 0.00001; ExAC 0.00001; gnomAD 0.00001.
gnomAD v4.1: 58 of 1,614,112 alleles (0.0036%); highest among the groups gnomAD compares: Non-Finnish European, 0.0047%; no homozygotes.

Submissions (3):

Ambry Genetics
Classification: Uncertain significance for Inborn genetic diseases. Last evaluated: 2026-06-17. Review status: criteria provided, single submitter. Criteria: Ambry Variant Classification Scheme 2023. Collection method: clinical testing. Allele origin: germline.

Labcorp Genetics (formerly Invitae), Labcorp
Classification: Uncertain significance for Joubert syndrome; Meckel-Gruber syndrome. Last evaluated: 2022-02-27. Review status: criteria provided, single submitter. Criteria: Invitae Variant Classification Sherloc (09022015). Collection method: clinical testing. Allele origin: germline.
Comment: In summary, the available evidence is currently insufficient to determine the role of this variant in disease. Therefore, it has been classified as a Variant of Uncertain Significance. Algorithms developed to predict the effect of missense changes on protein structure and function (SIFT, PolyPhen-2, Align-GVGD) all suggest that this variant is likely to be disruptive. ClinVar contains an entry for this variant (Variation ID: 882102). This variant has not been reported in the literature in individuals affected with TCTN1-related conditions. This variant is present in population databases (rs762127242, gnomAD 0.003%). This sequence change replaces leucine, which is neutral and non-polar, with arginine, which is basic and polar, at codon 319 of the TCTN1 protein (p.Leu319Arg).

Illumina Laboratory Services, Illumina
Classification: Uncertain significance for Joubert syndrome 13. Last evaluated: 2018-01-12. Review status: criteria provided, single submitter. Criteria: ICSL Variant Classification Criteria 13 December 2019. Collection method: clinical testing. Allele origin: germline.

NM_001082538.3(TCTN1):c.956T>G (p.Leu319Arg)

Gene: TCTN1 (tectonic family member 1; plus strand). Cytogenetic location: 12q24.11.
Variant type: single nucleotide variant.
Coding change: c.956T>G on transcript NM_001082538.3 (MANE Select); coding-DNA position 956, T replaced by G.
Protein change: p.Leu319Arg; replaces leucine 319 with arginine.
Molecular consequence: missense variant. On other transcripts: non-coding transcript variant (1).
Genome position (GRCh38, 1-based): chr12:110,640,495, T>G. VCF-style: chr12-110640495-T-G. GRCh37 (hg19) VCF-style: chr12-111078300-T-G.
Other names: c.956T>G, p.Leu319Arg (NM_001082537.3, NM_001319680.2); c.788T>G, p.Leu263Arg (NM_001173975.3); c.776T>G, p.Leu259Arg (NM_001173976.2); c.422T>G, p.Leu141Arg (NM_001319681.2); c.914T>G, p.Leu305Arg (NM_024549.6); short protein forms L259R, L305R, L319R, L141R, L263R.
Identifiers: ClinVar variation 882102 (VCV000882102.12), dbSNP rs762127242, ClinGen allele CA6786776.